The following is an entry in ClinVar:

NM_016239.4(MYO15A):c.6733G>A (p.Glu2245Lys)

Gene: MYO15A (myosin XVA; plus strand). Cytogenetic location: 17p11.2.
Variant type: single nucleotide variant.
Coding change: c.6733G>A on transcript NM_016239.4 (MANE Select); coding-DNA position 6733, G replaced by A.
Protein change: p.Glu2245Lys; replaces glutamic acid 2245 with lysine.
Molecular consequence: missense variant.
Genome position (GRCh38, 1-based): chr17:18,148,537, G>A. VCF-style: chr17-18148537-G-A. GRCh37 (hg19) VCF-style: chr17-18051851-G-A.
Other names: short protein forms E2245K.
Identifiers: ClinVar variation 3682266 (VCV003682266.2).

ClinVar aggregate classification (germline): Uncertain significance (1 of 4 stars; one submission).

Submission:

Labcorp Genetics (formerly Invitae), Labcorp
Classification: Uncertain significance. Last evaluated: 2025-02-04. Review status: criteria provided, single submitter. Criteria: Invitae Variant Classification Sherloc (09022015). Collection method: clinical testing. Allele origin: germline.
Comment: This sequence change replaces glutamic acid, which is acidic and polar, with lysine, which is basic and polar, at codon 2245 of the MYO15A protein (p.Glu2245Lys). This variant is not present in population databases (gnomAD no frequency). This variant has not been reported in the literature in individuals affected with MYO15A-related conditions. Invitae Evidence Modeling of protein sequence and biophysical properties (such as structural, functional, and spatial information, amino acid conservation, physicochemical variation, residue mobility, and thermodynamic stability) has been performed for this missense variant. However, the output from this modeling did not meet the statistical confidence thresholds required to predict the impact of this variant on MYO15A protein function. In summary, the available evidence is currently insufficient to determine the role of this variant in disease. Therefore, it has been classified as a Variant of Uncertain Significance.